The following is an entry in ClinVar:

ClinVar aggregate classification (germline): Uncertain significance (1 of 4 stars; one submission).

Submission:

Labcorp Genetics (formerly Invitae), Labcorp
Classification: Uncertain significance. Last evaluated: 2022-11-22. Review status: criteria provided, single submitter. Criteria: Invitae Variant Classification Sherloc (09022015). Collection method: clinical testing. Allele origin: germline.
Comment: In summary, the available evidence is currently insufficient to determine the role of this variant in disease. Therefore, it has been classified as a Variant of Uncertain Significance. Advanced modeling of protein sequence and biophysical properties (such as structural, functional, and spatial information, amino acid conservation, physicochemical variation, residue mobility, and thermodynamic stability) performed at Invitae indicates that this missense variant is not expected to disrupt EXOSC8 protein function. This variant has not been reported in the literature in individuals affected with EXOSC8-related conditions. This variant is not present in population databases (gnomAD no frequency). This sequence change replaces threonine, which is neutral and polar, with alanine, which is neutral and non-polar, at codon 57 of the EXOSC8 protein (p.Thr57Ala).

NM_181503.3(EXOSC8):c.169A>G (p.Thr57Ala)

Gene: EXOSC8 (exosome component 8; plus strand). Cytogenetic location: 13q13.3.
Variant type: single nucleotide variant.
Coding change: c.169A>G on transcript NM_181503.3 (MANE Select); coding-DNA position 169, A replaced by G.
Protein change: p.Thr57Ala; replaces threonine 57 with alanine.
Molecular consequence: missense variant.
Genome position (GRCh38, 1-based): chr13:37,002,984, A>G. VCF-style: chr13-37002984-A-G. GRCh37 (hg19) VCF-style: chr13-37577121-A-G.
Other names: short protein forms T57A.
Identifiers: ClinVar variation 1928355 (VCV001928355.5), dbSNP rs2501598319, ClinGen allele CA387867967.